The following is an entry in ClinVar:

ClinVar aggregate classification (germline): Uncertain significance (1 of 4 stars; one submission).

Allele frequency attached by ClinVar (database versions not stated): gnomAD exomes below 0.00001.
gnomAD v4.1: 2 of 1,613,746 alleles (0.00012%); highest among the groups gnomAD compares: Non-Finnish European, 0.00017%; no homozygotes.

Submission:

Labcorp Genetics (formerly Invitae), Labcorp
Classification: Uncertain significance. Last evaluated: 2020-10-21. Review status: criteria provided, single submitter. Criteria: Invitae Variant Classification Sherloc (09022015). Collection method: clinical testing. Allele origin: germline.
Comment: In summary, the available evidence is currently insufficient to determine the role of this variant in disease. Therefore, it has been classified as a Variant of Uncertain Significance. Algorithms developed to predict the effect of missense changes on protein structure and function are either unavailable or do not agree on the potential impact of this missense change (SIFT: "Not Available"; PolyPhen-2: "Probably Damaging"; Align-GVGD: "Not Available"). This variant has not been reported in the literature in individuals with GABRA2-related conditions. This variant is not present in population databases (ExAC no frequency). This sequence change replaces serine with glycine at codon 299 of the GABRA2 protein (p.Ser299Gly). The serine residue is highly conserved and there is a small physicochemical difference between serine and glycine.

NM_000807.4(GABRA2):c.895A>G (p.Ser299Gly)

Gene: GABRA2 (gamma-aminobutyric acid type A receptor subunit alpha2; minus strand). Cytogenetic location: 4p12.
Variant type: single nucleotide variant.
Coding change: c.895A>G on transcript NM_000807.4 (MANE Select); coding-DNA position 895, A replaced by G.
Protein change: p.Ser299Gly; replaces serine 299 with glycine.
Molecular consequence: missense variant.
Genome position (GRCh38, 1-based): chr4:46,262,090, T>C on the plus strand (A>G on the coding strand, the complement: GABRA2 is on the minus strand). VCF-style: chr4-46262090-T-C. GRCh37 (hg19) VCF-style: chr4-46264107-T-C.
Other names: c.895A>G, p.Ser299Gly (NM_001114175.3, NM_001330690.2, NM_001377144.1 and 8 more transcripts); c.730A>G, p.Ser244Gly (NM_001286827.3, NM_001377152.1, NM_001377153.1 and 1 more transcripts); short protein forms S244G, S299G.
Identifiers: ClinVar variation 1001602 (VCV001001602.7), dbSNP rs1717089285, ClinGen allele CA356804477.